The following is an entry in ClinVar:

NM_004655.4(AXIN2):c.892_894del (p.Asn298del)

Gene: AXIN2 (axin 2; minus strand). Cytogenetic location: 17q24.1.
Variant type: Deletion.
Coding change: c.892_894del on transcript NM_004655.4 (MANE Select); coding-DNA positions 892 to 894, 3 bases deleted (AAC; older notation c.892_894delAAC).
Protein change: p.Asn298del; deletes asparagine 298.
Molecular consequence: inframe deletion. On other transcripts: inframe indel (1).
Genome position (GRCh38, 1-based): chr17:65,549,582-65,549,584, GTT deleted on the plus strand (AAC on the coding strand, the reverse complement: AXIN2 is on the minus strand); deleting any 3 consecutive bases within chr17:65,549,582-65,549,585 gives the same sequence; the c. name uses the placement nearest the transcript's 3' end. VCF-style (leftmost placement, unchanged base first): chr17-65549581-CGTT-C. GRCh37 (hg19) VCF-style: chr17-63545699-CGTT-C.
Other names: c.892_894del, p.Asn298del (NM_001363813.1); c.892_894delAAC (NM_004655.3); short protein forms N298del.
Identifiers: ClinVar variation 3224416 (VCV003224416.1), dbSNP rs2544218023, ClinGen allele CA2825002590.
Genomic context (GRCh38, chr17:65,549,581, plus strand): 5'-CACTGCTGTCCGTCATGGACATGGAATCATCCGTCAGCGCATCACTGGATATCTCACTGT[CGTT>C]GGCGCTGGTGGCTGGTGCAAAGACATAGCCAGAACCTATGTGATAAGGATTAACAGGATC-3'

ClinVar aggregate classification (germline): Uncertain significance (1 of 4 stars; one submission).

Conditions:
Hereditary cancer-predisposing syndrome. Also called: Tumor predisposition; Hereditary neoplastic syndrome; Hereditary Cancer Syndrome; Neoplastic Syndromes, Hereditary. Identifiers: Orphanet 140162, MedGen C0027672, MeSH D009386, MONDO:0015356.

Submission:

Ambry Genetics
Classification: Uncertain significance for Hereditary cancer-predisposing syndrome. Last evaluated: 2024-03-08. Review status: criteria provided, single submitter. Criteria: Ambry Variant Classification Scheme 2023. Collection method: clinical testing. Allele origin: germline.
Comment: The c.892_894delAAC variant (also known as p.N298del) is located in coding exon 2 of the AXIN2 gene. This variant results from an in-frame AAC deletion at nucleotide positions 892 to 894. This results in the in-frame deletion of an asparagine at codon 298. This amino acid position is highly conserved in available vertebrate species. In addition, this alteration is predicted to be deleterious by in silico analysis (Choi Y et al. PLoS ONE. 2012; 7(10):e46688). Based on the available evidence, the clinical significance of this alteration remains unclear.